The following is an entry in ClinVar:

ClinVar aggregate classification (germline): Uncertain significance (1 of 4 stars; one submission).

Conditions:
Encephalopathy, acute, infection-induced (herpes-specific), susceptibility to, 1. Also called: Herpes simplex encephalitis, susceptibility to, 1. Identifiers: Orphanet 1930, MedGen C2750180, MONDO:0024563, OMIM 610551.

Submission:

Labcorp Genetics (formerly Invitae), Labcorp
Classification: Uncertain significance for Encephalopathy, acute, infection-induced (herpes-specific), susceptibility to, 1. Last evaluated: 2019-11-20. Review status: criteria provided, single submitter. Criteria: Invitae Variant Classification Sherloc (09022015). Collection method: clinical testing. Allele origin: germline.
Comment: In summary, the available evidence is currently insufficient to determine the role of this variant in disease. Therefore, it has been classified as a Variant of Uncertain Significance. Algorithms developed to predict the effect of missense changes on protein structure and function output the following: SIFT: "Tolerated"; PolyPhen-2: "Benign"; Align-GVGD: "Class C0". The glutamic acid amino acid residue is found in multiple mammalian species, suggesting that this missense change does not adversely affect protein function. These predictions have not been confirmed by published functional studies and their clinical significance is uncertain. This variant has not been reported in the literature in individuals with TLR3-related conditions. This variant is not present in population databases (ExAC no frequency). This sequence change replaces aspartic acid with glutamic acid at codon 496 of the TLR3 protein (p.Asp496Glu). The aspartic acid residue is moderately conserved and there is a small physicochemical difference between aspartic acid and glutamic acid.

NM_003265.3(TLR3):c.1488T>A (p.Asp496Glu)

Gene: TLR3 (toll like receptor 3; plus strand). Cytogenetic location: 4q35.1.
Variant type: single nucleotide variant.
Coding change: c.1488T>A on transcript NM_003265.3 (MANE Select); coding-DNA position 1488, T replaced by A.
Protein change: p.Asp496Glu; replaces aspartic acid 496 with glutamic acid.
Molecular consequence: missense variant.
Genome position (GRCh38, 1-based): chr4:186,083,174, T>A. VCF-style: chr4-186083174-T-A. GRCh37 (hg19) VCF-style: chr4-187004328-T-A.
Other names: short protein forms D496E.
Identifiers: ClinVar variation 839731 (VCV000839731.10), dbSNP rs2099303816, ClinGen allele CA358932302.